The following is an entry in ClinVar:

ClinVar aggregate classification (germline): Uncertain significance (1 of 4 stars; one submission).

Allele frequency attached by ClinVar (database versions not stated): gnomAD 0.00001; TOPMed 0.00001.
gnomAD v4.1: 12 of 1,613,974 alleles (0.00074%); highest among the groups gnomAD compares: Non-Finnish European, 0.00085%; no homozygotes.

Submission:

Labcorp Genetics (formerly Invitae), Labcorp
Classification: Uncertain significance. Last evaluated: 2022-02-28. Review status: criteria provided, single submitter. Criteria: Invitae Variant Classification Sherloc (09022015). Collection method: clinical testing. Allele origin: germline.
Comment: This variant is not present in population databases (gnomAD no frequency). This variant has not been reported in the literature in individuals affected with ERBB4-related conditions. Algorithms developed to predict the effect of missense changes on protein structure and function are either unavailable or do not agree on the potential impact of this missense change (SIFT: "Deleterious"; PolyPhen-2: "Benign"; Align-GVGD: "Class C0"). In summary, the available evidence is currently insufficient to determine the role of this variant in disease. Therefore, it has been classified as a Variant of Uncertain Significance. This sequence change replaces serine, which is neutral and polar, with arginine, which is basic and polar, at codon 12 of the ERBB4 protein (p.Ser12Arg).

NM_005235.3(ERBB4):c.36C>A (p.Ser12Arg)

Gene: ERBB4 (erb-b2 receptor tyrosine kinase 4; minus strand). Cytogenetic location: 2q34.
Variant type: single nucleotide variant.
Coding change: c.36C>A on transcript NM_005235.3 (MANE Select); coding-DNA position 36, C replaced by A.
Protein change: p.Ser12Arg; replaces serine 12 with arginine.
Molecular consequence: missense variant.
Genome position (GRCh38, 1-based): chr2:212,538,495, G>T on the plus strand (C>A on the coding strand, the complement: ERBB4 is on the minus strand). VCF-style: chr2-212538495-G-T. GRCh37 (hg19) VCF-style: chr2-213403219-G-T.
Other names: c.36C>A, p.Ser12Arg (NM_001042599.2); short protein forms S12R.
Identifiers: ClinVar variation 2078451 (VCV002078451.4), dbSNP rs1478394764, ClinGen allele CA350784009.